The following is an entry in ClinVar:

ClinVar aggregate classification (germline): Uncertain significance (1 of 4 stars; one submission).

Allele frequency attached by ClinVar (database versions not stated): gnomAD exomes below 0.00001; ExAC 0.00001.
gnomAD v4.1: 4 of 1,613,558 alleles (0.00025%); highest among the groups gnomAD compares: South Asian, 0.0022%; no homozygotes.

Submission:

Labcorp Genetics (formerly Invitae), Labcorp
Classification: Uncertain significance. Last evaluated: 2023-08-27. Review status: criteria provided, single submitter. Criteria: Invitae Variant Classification Sherloc (09022015). Collection method: clinical testing. Allele origin: germline.
Comment: This variant is present in population databases (rs748662322, gnomAD 0.003%). In summary, the available evidence is currently insufficient to determine the role of this variant in disease. Therefore, it has been classified as a Variant of Uncertain Significance. Advanced modeling of protein sequence and biophysical properties (such as structural, functional, and spatial information, amino acid conservation, physicochemical variation, residue mobility, and thermodynamic stability) performed at Invitae indicates that this missense variant is not expected to disrupt DCHS1 protein function. This variant has not been reported in the literature in individuals affected with DCHS1-related conditions. This sequence change replaces valine, which is neutral and non-polar, with phenylalanine, which is neutral and non-polar, at codon 1093 of the DCHS1 protein (p.Val1093Phe).

NM_003737.4(DCHS1):c.3277G>T (p.Val1093Phe)

Gene: DCHS1 (dachsous cadherin-related 1; minus strand). Cytogenetic location: 11p15.4.
Variant type: single nucleotide variant.
Coding change: c.3277G>T on transcript NM_003737.4 (MANE Select); coding-DNA position 3277, G replaced by T.
Protein change: p.Val1093Phe; replaces valine 1093 with phenylalanine.
Molecular consequence: missense variant.
Genome position (GRCh38, 1-based): chr11:6,632,235, C>A on the plus strand (G>T on the coding strand, the complement: DCHS1 is on the minus strand). VCF-style: chr11-6632235-C-A. GRCh37 (hg19) VCF-style: chr11-6653466-C-A.
Other names: short protein forms V1093F.
Identifiers: ClinVar variation 2755574 (VCV002755574.3), dbSNP rs748662322, ClinGen allele CA5860573.